The following is an entry in ClinVar:

NM_182920.2(ADAMTS9):c.763G>C (p.Ala255Pro)

Gene: ADAMTS9 (ADAM metallopeptidase with thrombospondin type 1 motif 9; minus strand). Cytogenetic location: 3p14.1.
Variant type: single nucleotide variant.
Coding change: c.763G>C on transcript NM_182920.2 (MANE Select); coding-DNA position 763, G replaced by C.
Protein change: p.Ala255Pro; replaces alanine 255 with proline.
Molecular consequence: missense variant.
Genome position (GRCh38, 1-based): chr3:64,658,708, C>G on the plus strand (G>C on the coding strand, the complement: ADAMTS9 is on the minus strand). VCF-style: chr3-64658708-C-G. GRCh37 (hg19) VCF-style: chr3-64644384-C-G.
Other names: c.763G>C, p.Ala255Pro (NM_001318781.2); short protein forms A255P.
Identifiers: ClinVar variation 1425985 (VCV001425985.6), dbSNP rs2106970254, ClinGen allele CA353439823.

ClinVar aggregate classification (germline): Uncertain significance (1 of 4 stars; one submission).

gnomAD v4.1: 3 of 1,614,166 alleles (0.00019%); highest among the groups gnomAD compares: Non-Finnish European, 0.00025%; no homozygotes.

Submission:

Labcorp Genetics (formerly Invitae), Labcorp
Classification: Uncertain significance. Last evaluated: 2022-03-18. Review status: criteria provided, single submitter. Criteria: Invitae Variant Classification Sherloc (09022015). Collection method: clinical testing. Allele origin: germline.
Comment: In summary, the available evidence is currently insufficient to determine the role of this variant in disease. Therefore, it has been classified as a Variant of Uncertain Significance. Algorithms developed to predict the effect of missense changes on protein structure and function (SIFT, PolyPhen-2, Align-GVGD) all suggest that this variant is likely to be tolerated. This variant has not been reported in the literature in individuals affected with ADAMTS9-related conditions. This variant is not present in population databases (gnomAD no frequency). This sequence change replaces alanine, which is neutral and non-polar, with proline, which is neutral and non-polar, at codon 255 of the ADAMTS9 protein (p.Ala255Pro).